The following is an entry in ClinVar:

NM_006031.6(PCNT):c.3179_3199dup (p.Leu1066_His1067insArgGluLysLysThrAlaLeu)

Gene: PCNT (pericentrin; plus strand). Cytogenetic location: 21q22.3.
Variant type: Duplication.
Coding change: c.3179_3199dup on transcript NM_006031.6 (MANE Select); coding-DNA positions 3179 to 3199, 21 bases duplicated (GTGAAAAGAAAACTGCTTTGC).
Protein change: p.Leu1066_His1067insArgGluLysLysThrAlaLeu.
Molecular consequence: inframe insertion.
Genome position (GRCh38, 1-based): chr21:46,381,707-46,381,727, GTGAAAAGAAAACTGCTTTGC duplicated. VCF-style (leftmost placement, unchanged base first): chr21-46381706-A-AGTGAAAAGAAAACTGCTTTGC. GRCh37 (hg19) VCF-style: chr21-47801621-A-AGTGAAAAGAAAACTGCTTTGC.
Other names: c.3179_3199dup21 (NM_006031.5); c.2825_2845dup, p.Leu948_His949insArgGluLysLysThrAlaLeu (NM_001315529.2).
Identifiers: ClinVar variation 1049054 (VCV001049054.2), dbSNP rs1363262432, ClinGen allele CA638202972.

ClinVar aggregate classification (germline): Uncertain significance. Review status: criteria provided, single submitter (1 of 4 stars). 2 submissions from 2 submitters: Uncertain significance (1). 1 of the submissions does not count toward it. Last evaluated 2026-03-31.

Conditions:
PCNT-related disorder. Also called: PCNT-related condition.

Allele frequency attached by ClinVar (database versions not stated): gnomAD exomes below 0.00001 and 0.00001; TOPMed below 0.00001; gnomAD 0.00001.

Submissions (2):

PreventionGenetics, part of Exact Sciences
Classification: Uncertain significance for PCNT-related condition. Last evaluated: 2026-03-31. Review status: criteria provided, single submitter. Criteria: ACMG Guidelines, 2015. Collection method: clinical testing. Allele origin: germline.
Comment: The PCNT c.3179_3199dup21 variant is predicted to result in an in-frame duplication (p.Leu1066_His1067insArgGluLysLysThrAlaLeu). To our knowledge, this variant has not been reported in the literature. This variant is reported in 0.00088% of alleles in individuals of European (Non-Finnish) descent in gnomAD. At this time, the clinical significance of this variant is uncertain due to the absence of conclusive functional and genetic evidence.

Department of Pathology and Laboratory Medicine, Sinai Health System
Classification: Uncertain significance. Review status: no assertion criteria provided. Collection method: clinical testing. Allele origin: unknown. Affected: yes. Study: The Canadian Open Genetics Repository (COGR). Not counted in ClinVar's aggregate classification.
Comment: The PCNT p.Leu948_His949insArgGluLysLysThrAlaLeu variant was not identified in the literature nor was it identified in ClinVar or LOVD 3.0. The variant was identified in dbSNP (ID: rs1363262432) and in control databases in 1 of 251478 chromosomes at a frequency of 0.000003976 (Genome Aggregation Database March 6, 2019, v2.1.1). The variant was observed in the European (non-Finnish) population in 1 of 113758 chromosomes (freq: 0.000009), but was not observed in the African, Latino, Ashkenazi Jewish, East Asian, European (Finnish), Other, or South Asian populations. This variant is an in-frame insertion; the impact of this alteration on PCNT protein function is not known. The variant occurs outside of the splicing consensus sequence and in silico or computational prediction software programs (SpliceSiteFinder, MaxEntScan, NNSPLICE, GeneSplicer) do not predict a difference in splicing. In summary, based on the above information the clinical significance of this variant cannot be determined with certainty at this time. This variant is classified as a variant of uncertain significance.